The following is an entry in ClinVar:

NM_032620.4(GTPBP3):c.646G>A (p.Glu216Lys)

Gene: GTPBP3 (GTP binding protein 3, mitochondrial; plus strand). Cytogenetic location: 19p13.11.
Variant type: single nucleotide variant.
Coding change: c.646G>A on transcript NM_032620.4 (MANE Select); coding-DNA position 646, G replaced by A.
Protein change: p.Glu216Lys; replaces glutamic acid 216 with lysine.
Molecular consequence: missense variant.
Genome position (GRCh38, 1-based): chr19:17,339,008, G>A. VCF-style: chr19-17339008-G-A. GRCh37 (hg19) VCF-style: chr19-17449817-G-A.
Other names: c.646G>A, p.Glu216Lys (NM_001128855.3, NM_133644.4); c.712G>A, p.Glu238Lys (NM_001195422.1); short protein forms E238K, E216K.
Identifiers: ClinVar variation 1447080 (VCV001447080.6), dbSNP rs777342196, ClinGen allele CA9293432.

ClinVar aggregate classification (germline): Uncertain significance (1 of 4 stars; one submission).

Allele frequency attached by ClinVar (database versions not stated): gnomAD exomes below 0.00001 and 0.00001; TOPMed below 0.00001; ExAC 0.00001; gnomAD 0.00001.
gnomAD v4.1: 14 of 1,613,892 alleles (0.00087%); highest among the groups gnomAD compares: Non-Finnish European, 0.0012%; no homozygotes.

Submission:

Labcorp Genetics (formerly Invitae), Labcorp
Classification: Uncertain significance. Last evaluated: 2024-10-22. Review status: criteria provided, single submitter. Criteria: Invitae Variant Classification Sherloc (09022015). Collection method: clinical testing. Allele origin: germline.
Comment: This sequence change replaces glutamic acid, which is acidic and polar, with lysine, which is basic and polar, at codon 216 of the GTPBP3 protein (p.Glu216Lys). This variant is present in population databases (rs777342196, gnomAD 0.007%). This variant has not been reported in the literature in individuals affected with GTPBP3-related conditions. ClinVar contains an entry for this variant (Variation ID: 1447080). Invitae Evidence Modeling of protein sequence and biophysical properties (such as structural, functional, and spatial information, amino acid conservation, physicochemical variation, residue mobility, and thermodynamic stability) indicates that this missense variant is not expected to disrupt GTPBP3 protein function with a negative predictive value of 80%. In summary, the available evidence is currently insufficient to determine the role of this variant in disease. Therefore, it has been classified as a Variant of Uncertain Significance.